The following is an entry in ClinVar:

NM_032043.3(BRIP1):c.1714G>C (p.Val572Leu)

Gene: BRIP1 (BRCA1 interacting DNA helicase 1; minus strand). Cytogenetic location: 17q23.2.
Variant type: single nucleotide variant.
Coding change: c.1714G>C on transcript NM_032043.3 (MANE Select); coding-DNA position 1714, G replaced by C.
Protein change: p.Val572Leu; replaces valine 572 with leucine.
Molecular consequence: missense variant.
Genome position (GRCh38, 1-based): chr17:61,780,920, C>G on the plus strand (G>C on the coding strand, the complement: BRIP1 is on the minus strand). VCF-style: chr17-61780920-C-G. GRCh37 (hg19) VCF-style: chr17-59858281-C-G.
Other names: short protein forms V572L.
Identifiers: ClinVar variation 1412609 (VCV001412609.7), dbSNP rs1567813643, ClinGen allele CA400480404.

ClinVar aggregate classification (germline): Uncertain significance (1 of 4 stars; one submission).

Conditions:
Familial cancer of breast. Also called: hereditary breast carcinoma; BREAST CANCER, FAMILIAL; Hereditary breast cancer. Identifiers: Orphanet 227535, MedGen C0346153, MONDO:0016419, OMIM 114480. Disease mechanism: loss of function.
Fanconi anemia complementation group J. Also called: BRIP1-Related Fanconi Anemia. Identifiers: Orphanet 84, MedGen C1836860, MONDO:0012187, OMIM 609054.

Submission:

Labcorp Genetics (formerly Invitae), Labcorp
Classification: Uncertain significance for Familial cancer of breast; Fanconi anemia complementation group J. Last evaluated: 2022-07-06. Review status: criteria provided, single submitter. Criteria: Invitae Variant Classification Sherloc (09022015). Collection method: clinical testing. Allele origin: germline.
Comment: Algorithms developed to predict the effect of missense changes on protein structure and function (SIFT, PolyPhen-2, Align-GVGD) all suggest that this variant is likely to be tolerated. In summary, the available evidence is currently insufficient to determine the role of this variant in disease. Therefore, it has been classified as a Variant of Uncertain Significance. ClinVar contains an entry for this variant (Variation ID: 1412609). This variant has not been reported in the literature in individuals affected with BRIP1-related conditions. This variant is not present in population databases (gnomAD no frequency). This sequence change replaces valine, which is neutral and non-polar, with leucine, which is neutral and non-polar, at codon 572 of the BRIP1 protein (p.Val572Leu).